The following is an entry in ClinVar:

NC_000003.12:g.169764722C>T

Genes: TERC (telomerase RNA component; minus strand), LOC110806306 (telomerase RNA component (TERC) promoter; plus strand). Cytogenetic location: 3q26.2.
Variant type: single nucleotide variant.
Genome position: GRCh38 VCF-style: chr3-169764722-C-T. GRCh37 (hg19) VCF-style: chr3-169482510-C-T.
Identifiers: ClinVar variation 1913008 (VCV001913008.5), dbSNP rs772608895, ClinGen allele CA2696797.
Genomic context (GRCh38, chr3:169,764,722, plus strand): 5'-CGCGCGCGGGGACTCGCTCCGTTCCTCTTCCTGCGGCCTGAAAGGCCTGAACCTCGCCCT[C>T]GCCCCCGAGAGACCCGCGGCTGACAGAGCCCAACTCTTCGCGGTGGCAGTGGGTGCCTCC-3'

ClinVar aggregate classification (germline): Uncertain significance (1 of 4 stars; one submission).

Conditions:
Dyskeratosis congenita, autosomal dominant 1 (DKCA1). Also called: Dyskeratosis congenita Scoggins type. Identifiers: Orphanet 1775, MedGen C4551974, MONDO:0007485, OMIM 127550. Inheritance: Variable.

Allele frequency attached by ClinVar (database versions not stated): gnomAD exomes below 0.00001; ExAC 0.00002.
gnomAD v4.1: 1 of 756,766 alleles (0.00013%); highest among the groups gnomAD compares: Admixed American, 0.0017%; no homozygotes.

Submission:

Labcorp Genetics (formerly Invitae), Labcorp
Classification: Uncertain significance for Dyskeratosis congenita, autosomal dominant 1. Last evaluated: 2023-03-13. Review status: criteria provided, single submitter. Criteria: Invitae Variant Classification Sherloc (09022015). Collection method: clinical testing. Allele origin: germline.
Comment: This variant occurs in the TERC gene, which encodes an RNA molecule that does not result in a protein product. In summary, the available evidence is currently insufficient to determine the role of this variant in disease. Therefore, it has been classified as a Variant of Uncertain Significance. This variant is located within the BoxH/ACA scaRNA domain of the TERC RNA component, which is required for telomerase activity (PMID: 21844345). ClinVar contains an entry for this variant (Variation ID: 1913008). This variant has not been reported in the literature in individuals affected with TERC-related conditions. The frequency data for this variant in the population databases is considered unreliable, as metrics indicate poor data quality at this position in the gnomAD database.

Literature cited by the submitters: PubMed 21844345.